The following is an entry in ClinVar:

ClinVar aggregate classification (germline): Uncertain significance. Review status: criteria provided, multiple submitters, no conflicts (2 of 4 stars). 2 submissions from 2 submitters: Uncertain significance (2). Last evaluated 2025-12-21.

Conditions:
Baller-Gerold syndrome (BGS). Also called: CRANIOSYNOSTOSIS WITH RADIAL DEFECTS. Identifiers: Orphanet 1225, MedGen C0265308, MONDO:0009039, OMIM 218600.
Inborn genetic diseases. Identifiers: MedGen C0950123, MeSH D030342.

gnomAD v4.1: 2 of 1,610,232 alleles (0.00012%); highest among the groups gnomAD compares: Non-Finnish European, 0.00017%; no homozygotes.

Submissions (2):

Ambry Genetics
Classification: Uncertain significance for Inborn genetic diseases. Last evaluated: 2025-12-21. Review status: criteria provided, single submitter. Criteria: Ambry Variant Classification Scheme 2023. Collection method: clinical testing. Allele origin: germline.
Comment: The p.I247S variant (also known as c.740T>G), located in coding exon 5 of the RECQL4 gene, results from a T to G substitution at nucleotide position 740. The isoleucine at codon 247 is replaced by serine, an amino acid with dissimilar properties. This amino acid position is conserved. In addition, this alteration is predicted to be tolerated by in silico analysis. Based on the available evidence, the clinical significance of this variant remains unclear.

Labcorp Genetics (formerly Invitae), Labcorp
Classification: Uncertain significance for Baller-Gerold syndrome. Last evaluated: 2023-08-11. Review status: criteria provided, single submitter. Criteria: Invitae Variant Classification Sherloc (09022015). Collection method: clinical testing. Allele origin: germline.
Comment: In summary, the available evidence is currently insufficient to determine the role of this variant in disease. Therefore, it has been classified as a Variant of Uncertain Significance. Advanced modeling of protein sequence and biophysical properties (such as structural, functional, and spatial information, amino acid conservation, physicochemical variation, residue mobility, and thermodynamic stability) performed at Invitae indicates that this missense variant is not expected to disrupt RECQL4 protein function. This variant has not been reported in the literature in individuals affected with RECQL4-related conditions. This variant is not present in population databases (gnomAD no frequency). This sequence change replaces isoleucine, which is neutral and non-polar, with serine, which is neutral and polar, at codon 247 of the RECQL4 protein (p.Ile247Ser).

NM_004260.4(RECQL4):c.740T>G (p.Ile247Ser)

Gene: RECQL4 (RecQ like helicase 4; minus strand). Cytogenetic location: 8q24.3.
Variant type: single nucleotide variant.
Coding change: c.740T>G on transcript NM_004260.4 (MANE Select); coding-DNA position 740, T replaced by G.
Protein change: p.Ile247Ser; replaces isoleucine 247 with serine.
Molecular consequence: missense variant. On other transcripts: 5 prime UTR variant (17), non-coding transcript variant (3).
Genome position (GRCh38, 1-based): chr8:144,516,379, A>C on the plus strand (T>G on the coding strand, the complement: RECQL4 is on the minus strand). VCF-style: chr8-144516379-A-C. GRCh37 (hg19) VCF-style: chr8-145741763-A-C.
Other names: c.740T>G, p.Ile247Ser (NM_001413017.1, NM_001413018.1, NM_001413019.1 and 4 more transcripts); c.-332T>G (NM_001413021.1, NM_001413022.1, NM_001413023.1 and 7 more transcripts); c.611T>G, p.Ile204Ser (NM_001413025.1); c.-394T>G (NM_001413027.1, NM_001413030.1, NM_001413031.1 and 2 more transcripts); c.389T>G, p.Ile130Ser (NM_001413029.1); c.-236T>G (NM_001413034.1); c.-601T>G (NM_001413043.1); c.740T>G (NM_004260.3); short protein forms I204S, I130S, I247S.
Identifiers: ClinVar variation 2806438 (VCV002806438.4), dbSNP rs752673956, ClinGen allele CA372689439.